The following is an entry in ClinVar:

ClinVar aggregate classification (germline): Benign/Likely benign. Review status: criteria provided, multiple submitters, no conflicts (2 of 4 stars). 3 submissions from 3 submitters: Benign (2); Likely benign (1). Last evaluated 2025-09-01.

Conditions:
Juvenile onset Parkinson disease 19A. Also called: PARK19; DNAJC6 Parkinson Disease. Identifiers: Orphanet 391411, MedGen C3809811, MONDO:0014231, OMIM 615528.

Allele frequency attached by ClinVar (database versions not stated): gnomAD 0.00003 and 0.00018; TOPMed 0.00006; ESP Exome Variant Server 0.00008; gnomAD exomes 0.00026 and 0.00055; ExAC 0.00051; 1000 Genomes Project 0.00120; 1000 Genomes Project 30x 0.00125.
gnomAD v4.1: 417 of 1,614,168 alleles (0.026%); highest among the groups gnomAD compares: South Asian, 0.39%; 5 homozygotes.

Submissions (3):

CeGaT Center for Human Genetics Tuebingen
Classification: Likely benign. Last evaluated: 2025-09-01. Review status: criteria provided, single submitter. Criteria: CeGaT Center For Human Genetics Tuebingen Variant Classification Criteria Version 2. Collection method: clinical testing. Allele origin: germline. Affected: yes. Observed: 1 variant allele.
Comment: DNAJC6: BP4, BP7

Labcorp Genetics (formerly Invitae), Labcorp
Classification: Benign for Juvenile onset Parkinson disease 19A. Last evaluated: 2022-05-17. Review status: criteria provided, single submitter. Criteria: Invitae Variant Classification Sherloc (09022015). Collection method: clinical testing. Allele origin: germline.

Breakthrough Genomics
Classification: Benign. Review status: criteria provided, single submitter. Criteria: ACMG Guidelines, 2015. Collection method: not provided. Allele origin: germline. Inheritance: Autosomal recessive inheritance. Affected: yes.

NM_001256864.2(DNAJC6):c.2331C>T (p.Gly777=)

Gene: DNAJC6 (DnaJ heat shock protein family (Hsp40) member C6; plus strand). Cytogenetic location: 1p31.3.
Variant type: single nucleotide variant.
Coding change: c.2331C>T on transcript NM_001256864.2 (MANE Select); coding-DNA position 2331, C replaced by T.
Protein change: p.Gly777=; no amino-acid change (glycine 777 retained).
Molecular consequence: synonymous variant.
Genome position (GRCh38, 1-based): chr1:65,405,973, C>T. VCF-style: chr1-65405973-C-T. GRCh37 (hg19) VCF-style: chr1-65871656-C-T.
Other names: c.2121C>T, p.Gly707= (NM_001256865.2); c.2160C>T, p.Gly720= (NM_014787.4).
Identifiers: ClinVar variation 1565953 (VCV001565953.16), dbSNP rs370155769, ClinGen allele CA894146.